The following is an entry in ClinVar:

ClinVar aggregate classification (germline): Likely benign (1 of 4 stars; one submission).

Conditions:
Noonan syndrome 6 (NS6). Also called: NRAS-Related Noonan Syndrome. Identifiers: Orphanet 648, MedGen C2750732, MONDO:0013186, OMIM 613224.

Allele frequency attached by ClinVar (database versions not stated): gnomAD 0.00021 and 0.00029; TOPMed 0.00036; 1000 Genomes Project 0.00200; 1000 Genomes Project 30x 0.00234.

Submission:

Illumina Laboratory Services, Illumina
Classification: Likely benign for Noonan syndrome 6. Last evaluated: 2018-01-13. Review status: criteria provided, single submitter. Criteria: ICSL Variant Classification Criteria 13 December 2019. Collection method: clinical testing. Allele origin: germline.
Comment: This variant was observed in the ICSL laboratory as part of a predisposition screen in an ostensibly healthy population. It had not been previously curated by ICSL or reported in the Human Gene Mutation Database (HGMD: prior to June 1st, 2018), and was therefore a candidate for classification through an automated scoring system. Utilizing variant allele frequency, disease prevalence and penetrance estimates, and inheritance mode, an automated score was calculated to assess if this variant is too frequent to cause the disease. Based on the score and internal cut-off values, a variant classified as likely benign is not then subjected to further curation. The score for this variant resulted in a classification of likely benign for this disease.

NM_002524.5(NRAS):c.*2784T>A

Gene: NRAS (NRAS proto-oncogene, GTPase; minus strand). Cytogenetic location: 1p13.2.
Variant type: single nucleotide variant.
Coding change: c.*2784T>A on transcript NM_002524.5 (MANE Select); 2784 bases downstream of the stop codon, T replaced by A.
Molecular consequence: 3 prime UTR variant.
Genome position (GRCh38, 1-based): chr1:114,705,310, A>T on the plus strand (T>A on the coding strand, the complement: NRAS is on the minus strand). VCF-style: chr1-114705310-A-T. GRCh37 (hg19) VCF-style: chr1-115247931-A-T.
Identifiers: ClinVar variation 291950 (VCV000291950.5), dbSNP rs374889066, ClinGen allele CA10607585.
Genomic context (GRCh38, chr1:114,705,310, plus strand): 5'-AATTTTACCTATTACACTCCTATAGTAAAAATTGTAATAAGTATGATATTGTATTAAGTA[A>T]CATTCTATAGTAAGCCGTTGGAGCAAATACAGCATTTAACAGGTTCATTTACAGATCCGG-3'